The following is an entry in ClinVar:

ClinVar aggregate classification (germline): Likely benign (1 of 4 stars; one submission).

Allele frequency attached by ClinVar (database versions not stated): gnomAD exomes below 0.00001; ExAC 0.00001; TOPMed 0.00001; ESP Exome Variant Server 0.00008.
gnomAD v4.1: 4 of 1,614,204 alleles (0.00025%); highest among the groups gnomAD compares: Non-Finnish European, 0.00034%; no homozygotes.

Submission:

CeGaT Center for Human Genetics Tuebingen
Classification: Likely benign. Last evaluated: 2023-07-01. Review status: criteria provided, single submitter. Criteria: CeGaT Center For Human Genetics Tuebingen Variant Classification Criteria Version 2. Collection method: clinical testing. Allele origin: germline. Affected: yes. Observed: 1 variant allele.
Comment: FBXO43: BP4, BP7

NM_001029860.4(FBXO43):c.1152G>A (p.Leu384=)

Gene: FBXO43 (F-box protein 43; minus strand). Cytogenetic location: 8q22.2.
Variant type: single nucleotide variant.
Coding change: c.1152G>A on transcript NM_001029860.4 (MANE Select); coding-DNA position 1152, G replaced by A.
Protein change: p.Leu384=; no amino-acid change (leucine 384 retained).
Molecular consequence: synonymous variant. On other transcripts: non-coding transcript variant (1).
Genome position (GRCh38, 1-based): chr8:100,141,102, C>T on the plus strand (G>A on the coding strand, the complement: FBXO43 is on the minus strand). VCF-style: chr8-100141102-C-T. GRCh37 (hg19) VCF-style: chr8-101153330-C-T.
Identifiers: ClinVar variation 2658711 (VCV002658711.24), dbSNP rs371117490, ClinGen allele CA4826820.